The following is an entry in ClinVar:

ClinVar aggregate classification (germline): Pathogenic. Review status: criteria provided, single submitter (1 of 4 stars). 2 submissions from 2 submitters: Pathogenic (1). 1 of the submissions does not count toward it. Last evaluated 2024-06-07.

Conditions:
Mucopolysaccharidosis, MPS-II (MPS2). Also called: IDS deficiency; Sulfoiduronate sulfatase deficiency; SIDS deficiency; Mucopolysaccharidosis type 2; Mucopolysaccharidosis Type II; Attenuated MPS (subtype; formerly known as mild MPS II). Identifiers: Orphanet 580, Orphanet 79388, MedGen C0026705, MONDO:0010674, OMIM 309900.

Submissions (2):

Laboratory of Diagnosis and Therapy of Lysosomal Disorders, University of Padova
Classification: Pathogenic for Mucopolysaccharidosis, MPS-II. Last evaluated: 2024-06-07. Review status: criteria provided, single submitter. Criteria: ACMG Guidelines, 2015. Collection method: literature only. Allele origin: germline. Affected: yes. Observed: 2 variant alleles.
Comment: Null variant (PVS1_Strong), Absent from controls (or at low frequency) in gnomAD database (PM2_Moderate), Patient’s phenotype or family history highly specific for the disease (PP4_Strong)

Classification method: ACMG Guidelines [PMID:25741868] with modifications

Laboratory of Inherited Metabolic Diseases, Research centre for medical genetics
Classification: Pathogenic for Mucopolysaccharidosis, type II; MPS2. Review status: no assertion criteria provided. Collection method: research. Allele origin: germline. Affected: yes. Not counted in ClinVar's aggregate classification.

Literature cited by the submitters: PubMed 31046699 (cited by Laboratory of Diagnosis and Therapy of Lysosomal Disorders, University of Padova); PubMed 33676511 (cited by Laboratory of Diagnosis and Therapy of Lysosomal Disorders, University of Padova).

NM_000202.8(IDS):c.1438_1442del (p.Pro480fs)

Gene: IDS (iduronate 2-sulfatase; minus strand). Cytogenetic location: Xq28.
Variant type: Deletion.
Coding change: c.1438_1442del on transcript NM_000202.8 (MANE Select); coding-DNA positions 1438 to 1442, 5 bases deleted (CCGAG; older notation c.1438_1442delCCGAG).
Protein change: p.Pro480fs; shifts the reading frame from proline 480.
Molecular consequence: frameshift variant.
Genome position (GRCh38, 1-based): chrX:149,482,957-149,482,961, CTCGG deleted on the plus strand (CCGAG on the coding strand, the reverse complement: IDS is on the minus strand); deleting any 5 consecutive bases within chrX:149,482,957-149,482,963 gives the same sequence; the c. name uses the placement nearest the transcript's 3' end. VCF-style (leftmost placement, unchanged base first): chrX-149482956-ACTCGG-A. GRCh37 (hg19) VCF-style: chrX-148564487-ACTCGG-A.
Other names: c.1168_1172del, p.Pro390fs (NM_001166550.4); short protein forms P390fs, P480fs.
Identifiers: ClinVar variation 988703 (VCV000988703.3), dbSNP rs2089305109, ClinGen allele CA2465003989.
Genomic context (GRCh38, chrX:149,482,956, plus strand): 5'-CACAGTATACCTATAGTCTATGGTGCGTATGGAATAGCCCATGATCTTTATATCTTTTAA[ACTCGG>A]CTTGTCAGAATTCCACTGAGGGATGTCTGAAGGCCGGGGATACTGGCTATAGGCAATCAG-3'